The following is an entry in ClinVar:

NM_001204.7(BMPR2):c.74C>T (p.Ala25Val)

Gene: BMPR2 (bone morphogenetic protein receptor type 2; plus strand). Cytogenetic location: 2q33.1.
Variant type: single nucleotide variant.
Coding change: c.74C>T on transcript NM_001204.7 (MANE Select); coding-DNA position 74, C replaced by T.
Protein change: p.Ala25Val; replaces alanine 25 with valine.
Molecular consequence: missense variant.
Genome position (GRCh38, 1-based): chr2:202,377,548, C>T. VCF-style: chr2-202377548-C-T. GRCh37 (hg19) VCF-style: chr2-203242271-C-T.
Other names: short protein forms A25V.
Identifiers: ClinVar variation 4214518 (VCV004214518.1).

ClinVar aggregate classification (germline): Uncertain significance (1 of 4 stars; one submission).

Conditions:
Inborn genetic diseases. Identifiers: MedGen C0950123, MeSH D030342.

gnomAD v4.1: 3 of 1,614,146 alleles (0.00019%); highest among the groups gnomAD compares: South Asian, 0.0011%; no homozygotes.

Submission:

Ambry Genetics
Classification: Uncertain significance for Inborn genetic diseases. Last evaluated: 2025-08-20. Review status: criteria provided, single submitter. Criteria: Ambry Variant Classification Scheme 2023. Collection method: clinical testing. Allele origin: germline.
Comment: The p.A25V variant (also known as c.74C>T), located in coding exon 1 of the BMPR2 gene, results from a C to T substitution at nucleotide position 74. The alanine at codon 25 is replaced by valine, an amino acid with similar properties. This amino acid position is conserved. In addition, this alteration is predicted to be tolerated by in silico analysis. Based on the available evidence, the clinical significance of this variant remains unclear.